The following is an entry in ClinVar:

ClinVar aggregate classification (germline): Uncertain significance (1 of 4 stars; one submission).

Conditions:
Cardiovascular phenotype. Identifiers: MedGen CN230736.
Hereditary cancer-predisposing syndrome. Also called: Tumor predisposition; Neoplastic Syndromes, Hereditary; Hereditary Cancer Syndrome; Hereditary neoplastic syndrome. Identifiers: Orphanet 140162, MedGen C0027672, MeSH D009386, MONDO:0015356.

Submission:

Ambry Genetics
Classification: Uncertain significance for Cardiovascular phenotype; Hereditary cancer-predisposing syndrome. Last evaluated: 2025-01-17. Review status: criteria provided, single submitter. Criteria: Ambry Variant Classification Scheme 2023. Collection method: clinical testing. Allele origin: germline.
Comment: The p.A291D variant (also known as c.872C>A), located in coding exon 9 of the LZTR1 gene, results from a C to A substitution at nucleotide position 872. The alanine at codon 291 is replaced by aspartic acid, an amino acid with dissimilar properties. This amino acid position is conserved. In addition, this alteration is predicted to be deleterious by in silico analysis. Based on the available evidence, the clinical significance of this variant remains unclear.

NM_006767.4(LZTR1):c.872C>A (p.Ala291Asp)

Gene: LZTR1 (leucine zipper like post translational regulator 1; plus strand). Cytogenetic location: 22q11.21.
Variant type: single nucleotide variant.
Coding change: c.872C>A on transcript NM_006767.4 (MANE Select); coding-DNA position 872, C replaced by A.
Protein change: p.Ala291Asp; replaces alanine 291 with aspartic acid.
Molecular consequence: missense variant.
Genome position (GRCh38, 1-based): chr22:20,991,708, C>A. VCF-style: chr22-20991708-C-A. GRCh37 (hg19) VCF-style: chr22-21345997-C-A.
Other names: short protein forms A291D.
Identifiers: ClinVar variation 3869298 (VCV003869298.1).